The following is an entry in ClinVar:

ClinVar aggregate classification (germline): Conflicting classifications of pathogenicity. Review status: criteria provided, conflicting classifications (1 of 4 stars). 2 submissions from 2 submitters: Uncertain significance (1); Likely benign (1). Last evaluated 2026-04-17.

Conditions:
Hereditary cancer-predisposing syndrome. Also called: Tumor predisposition; Hereditary neoplastic syndrome; Neoplastic Syndromes, Hereditary; Hereditary Cancer Syndrome. Identifiers: Orphanet 140162, MedGen C0027672, MeSH D009386, MONDO:0015356.
Cardiovascular phenotype. Identifiers: MedGen CN230736.
Neurofibromatosis, type 1 (NF1). Also called: Neurofibromatosis, type I; Peripheral type neurofibromatosis; VON RECKLINGHAUSEN DISEASE; NEUROFIBROMATOSIS, TYPE I, SOMATIC. Identifiers: Orphanet 636, MedGen C0027831, MONDO:0018975, OMIM 162200. Disease mechanism: loss of function.

gnomAD v4.1: 1 of 1,614,020 alleles (0.000062%); highest among the groups gnomAD compares: Non-Finnish European, 0.000085%; no homozygotes.

Submissions (2):

Ambry Genetics
Classification: Likely benign for Cardiovascular phenotype; Hereditary cancer-predisposing syndrome. Last evaluated: 2026-04-17. Review status: criteria provided, single submitter. Criteria: Ambry Variant Classification Scheme 2023. Collection method: clinical testing. Allele origin: germline.

Labcorp Genetics (formerly Invitae), Labcorp
Classification: Uncertain significance for Neurofibromatosis, type 1. Last evaluated: 2023-01-14. Review status: criteria provided, single submitter. Criteria: Invitae Variant Classification Sherloc (09022015). Collection method: clinical testing. Allele origin: germline.
Comment: This sequence change replaces threonine, which is neutral and polar, with serine, which is neutral and polar, at codon 2201 of the NF1 protein (p.Thr2201Ser). This variant is not present in population databases (gnomAD no frequency). This variant has not been reported in the literature in individuals affected with NF1-related conditions. Advanced modeling of protein sequence and biophysical properties (such as structural, functional, and spatial information, amino acid conservation, physicochemical variation, residue mobility, and thermodynamic stability) performed at Invitae indicates that this missense variant is not expected to disrupt NF1 protein function. In summary, the available evidence is currently insufficient to determine the role of this variant in disease. Therefore, it has been classified as a Variant of Uncertain Significance.

NM_001042492.3(NF1):c.6664A>T (p.Thr2222Ser)

Gene: NF1 (neurofibromin 1; plus strand). Cytogenetic location: 17q11.2.
Variant type: single nucleotide variant.
Coding change: c.6664A>T on transcript NM_001042492.3 (MANE Select); coding-DNA position 6664, A replaced by T.
Protein change: p.Thr2222Ser; replaces threonine 2222 with serine.
Molecular consequence: missense variant.
Genome position (GRCh38, 1-based): chr17:31,337,840, A>T. VCF-style: chr17-31337840-A-T. GRCh37 (hg19) VCF-style: chr17-29664858-A-T.
Other names: c.6601A>T, p.Thr2201Ser (NM_000267.4); short protein forms T2201S, T2222S.
Identifiers: ClinVar variation 2828342 (VCV002828342.5), dbSNP rs745945481, ClinGen allele CA399013768.